The following is an entry in ClinVar:

NM_201384.3(PLEC):c.2623C>T (p.Gln875Ter)

Gene: PLEC (plectin; minus strand). Cytogenetic location: 8q24.3.
Variant type: single nucleotide variant.
Coding change: c.2623C>T on transcript NM_201384.3 (MANE Select); coding-DNA position 2623, C replaced by T.
Protein change: p.Gln875Ter; replaces glutamine 875 with a stop codon.
Molecular consequence: nonsense.
Genome position (GRCh38, 1-based): chr8:143,930,052, G>A on the plus strand (C>T on the coding strand, the complement: PLEC is on the minus strand). VCF-style: chr8-143930052-G-A. GRCh37 (hg19) VCF-style: chr8-145004220-G-A.
Other names: c.2704C>T, p.Gln902Ter (NM_000445.5, NM_001410941.1); c.2581C>T, p.Gln861Ter (NM_201378.4); c.2557C>T, p.Gln853Ter (NM_201379.3); c.3034C>T, p.Gln1012Ter (NM_201380.4); c.2527C>T, p.Gln843Ter (NM_201381.3); c.2623C>T, p.Gln875Ter (NM_201382.4); c.2635C>T, p.Gln879Ter (NM_201383.3); short protein forms Q861*, Q843*, Q902*, Q1012*, Q853*, Q879*, Q875*.
Identifiers: ClinVar variation 2949315 (VCV002949315.3), dbSNP rs782643774, ClinGen allele CA4927432.
Genomic context (GRCh38, chr8:143,930,052, plus strand): 5'-CCAGAAGGCTCTTCATGTCCACGTGCAACTGGTGCCACAGCGTGACCAGGGCCTGGTGCT[G>A]GGCCTCCAGCCTGGCAGGTCAGGGCTACAGTCAGCGTCACCAGCGCCCCACCCGCCTTCC-3'

ClinVar aggregate classification (germline): Pathogenic (1 of 4 stars; one submission).

Conditions:
Epidermolysis bullosa simplex with nail dystrophy (EBS5D). Identifiers: MedGen C4225309, MONDO:0014661, OMIM 616487.
Epidermolysis bullosa simplex, Ogna type (EBS5A). Also called: Pidermolysis bullosa simplex 5A, Ogna type; EPIDERMOLYSIS BULLOSA SIMPLEX 5A, OGNA TYPE. Identifiers: Orphanet 79401, MedGen C0432317, MONDO:0007555, OMIM 131950.
Autosomal recessive limb-girdle muscular dystrophy type 2Q (LGMDR17). Also called: MUSCULAR DYSTROPHY, LIMB-GIRDLE, AUTOSOMAL RECESSIVE 17. Identifiers: Orphanet 254361, MedGen C3150989, MONDO:0013390, OMIM 613723.
Epidermolysis bullosa simplex 5B, with muscular dystrophy (EBS5B). Also called: EPIDERMOLYSIS BULLOSA SIMPLEX AND LIMB-GIRDLE MUSCULAR DYSTROPHY; Epidermolysis bullosa simplex with muscular dystrophy. Identifiers: Orphanet 257, MedGen C2931072, MONDO:0009181, OMIM 226670.
Epidermolysis bullosa simplex 5C, with pyloric atresia (EBS5C). Also called: PLEC-Related Epidermolysis Bullosa with Pyloric Atresia; Epidermolysis bullosa simplex with pyloric atresia; PLEC1-Related Epidermolysis Bullosa with Pyloric Atresia. Identifiers: Orphanet 158684, MedGen C2677349, MONDO:0012807, OMIM 612138.

Allele frequency attached by ClinVar (database versions not stated): gnomAD exomes below 0.00001; ExAC 0.00001.
gnomAD v4.1: 3 of 1,611,148 alleles (0.00019%); highest among the groups gnomAD compares: Non-Finnish European, 0.00025%; no homozygotes.

Submission:

Labcorp Genetics (formerly Invitae), Labcorp
Classification: Pathogenic for Autosomal recessive limb-girdle muscular dystrophy type 2Q; Epidermolysis bullosa simplex, Ogna type; Epidermolysis bullosa simplex with nail dystrophy; Epidermolysis bullosa simplex 5C, with pyloric atresia; Epidermolysis bullosa simplex 5B, with muscular dystrophy. Last evaluated: 2023-10-04. Review status: criteria provided, single submitter. Criteria: Invitae Variant Classification Sherloc (09022015). Collection method: clinical testing. Allele origin: germline.
Comment: This sequence change creates a premature translational stop signal (p.Gln902*) in the PLEC gene. It is expected to result in an absent or disrupted protein product. Loss-of-function variants in PLEC are known to be pathogenic (PMID: 20301336, 20447487, 21109228, 23289980, 28824526). This variant is present in population databases (rs782643774, gnomAD 0.0009%). This variant has not been reported in the literature in individuals affected with PLEC-related conditions. For these reasons, this variant has been classified as Pathogenic.

Literature cited by the submitters: PubMed 20301336; PubMed 20447487; PubMed 21109228; PubMed 23289980; PubMed 28824526.